The following is an entry in ClinVar:

NM_001267550.2(TTN):c.3758_3759del (p.Arg1253fs)

Genes: TTN (titin; minus strand), LOC101927055 (uncharacterized LOC101927055; plus strand). Cytogenetic location: 2q31.2.
Variant type: Microsatellite.
Coding change: c.3758_3759del on transcript NM_001267550.2 (MANE Select); coding-DNA positions 3758 to 3759, 2 bases deleted (GA; older notation c.3758_3759delGA).
Protein change: p.Arg1253fs; shifts the reading frame from arginine 1253.
Molecular consequence: frameshift variant.
Genome position (GRCh38, 1-based): chr2:178,779,433-178,779,434, TC deleted on the plus strand (GA on the coding strand, the reverse complement: TTN is on the minus strand); deleting any 2 consecutive bases within chr2:178,779,433-178,779,439 gives the same sequence; the c. name uses the placement nearest the transcript's 3' end. VCF-style (leftmost placement, unchanged base first): chr2-178779432-GTC-G. GRCh37 (hg19) VCF-style: chr2-179644159-GTC-G.
Other names: c.3758_3759del, p.Arg1253fs (NM_001256850.1, NM_133378.4, NM_133379.5); c.3620_3621del, p.Arg1207fs (NM_003319.4, NM_133432.3, NM_133437.4); short protein forms R1207fs, R1253fs.
Identifiers: ClinVar variation 3751079 (VCV003751079.2).
Genomic context (GRCh38, chr2:178,779,432, plus strand): 5'-CTTCTTCAAGAAGTTCTTCTAATGTAGTCTTTATTATTCTATATTCAATTTCTTTAATAA[GTC>G]TCTCTTCAAAGGAAGAAATATGGAATTCCTATGCAAAAAGATTATGGTCTGTTAAAAATA-3'

ClinVar aggregate classification (germline): Likely pathogenic (1 of 4 stars; one submission).

Conditions:
Autosomal recessive limb-girdle muscular dystrophy type 2J (LGMDR10). Also called: Limb-girdle muscular dystrophy, type 2J; MUSCULAR DYSTROPHY, LIMB-GIRDLE, AUTOSOMAL RECESSIVE 10. Identifiers: Orphanet 140922, MedGen C1837342, MONDO:0012127, OMIM 608807.
Dilated cardiomyopathy 1G (CMD1G). Identifiers: Orphanet 154, MedGen C1858763, MONDO:0011400, OMIM 604145.

Submission:

Labcorp Genetics (formerly Invitae), Labcorp
Classification: Likely pathogenic for Dilated cardiomyopathy 1G; Autosomal recessive limb-girdle muscular dystrophy type 2J. Last evaluated: 2024-06-12. Review status: criteria provided, single submitter. Criteria: Invitae Variant Classification Sherloc (09022015). Collection method: clinical testing. Allele origin: germline.
Comment: This sequence change creates a premature translational stop signal (p.Arg1253Thrfs*3) in the TTN gene. While this is not anticipated to result in nonsense mediated decay, it is expected to create a truncated TTN protein. This variant is not present in population databases (gnomAD no frequency). This variant has not been reported in the literature in individuals affected with TTN-related conditions. This variant is located in the Z band of TTN (PMID: 25589632). Truncating variants in this region have been reported in individuals affected with autosomal recessive centronuclear myopathy (PMID: 33449170, Invitae internal data). Truncating variants in this region have also been identified in individuals affected with autosomal dominant dilated cardiomyopathy and/or cardio-related conditions (PMID: 27869827, 32964742, Invitae internal data). In summary, the currently available evidence indicates that the variant is pathogenic, but additional data are needed to prove that conclusively. Therefore, this variant has been classified as Likely Pathogenic.

Literature cited by the submitters: PubMed 25589632; PubMed 33449170; PubMed 27869827; PubMed 32964742.